The following is an entry in ClinVar:

ClinVar aggregate classification (germline): Pathogenic/Likely pathogenic. Review status: criteria provided, multiple submitters, no conflicts (2 of 4 stars). 2 submissions from 2 submitters: Pathogenic (1); Likely pathogenic (1). Last evaluated 2022-05-23.

Conditions:
Marfan syndrome (MFS). Also called: Marfan syndrome type 1; Marfan's syndrome; FBN1-Related Marfan Syndrome; MARFAN SYNDROME, TYPE I; Marfan syndrome, classic. Identifiers: Orphanet 284963, Orphanet 558, MedGen C0024796, MONDO:0007947, OMIM 154700.
FBN1-related disorder. Also called: FBN1-related disorders.

Submissions (2):

Blueprint Genetics
Classification: Pathogenic for FBN1-related disorders. Last evaluated: 2022-05-23. Review status: criteria provided, single submitter. Criteria: ACMG Guidelines, 2015. Collection method: clinical testing. Allele origin: germline. Affected: yes. Observed: 1 variant allele.

Centre of Medical Genetics, University of Antwerp
Classification: Likely pathogenic for Marfan syndrome. Last evaluated: 2021-03-01. Review status: criteria provided, single submitter. Criteria: Submitter's publication. Collection method: research. Allele origin: unknown. Affected: yes.
Comment: PM2, PS7, PP4

NM_000138.5(FBN1):c.6616+1G>T

Gene: FBN1 (fibrillin 1; minus strand). Cytogenetic location: 15q21.1.
Variant type: single nucleotide variant.
Coding change: c.6616+1G>T on transcript NM_000138.5 (MANE Select); the canonical splice donor site of the intron after coding-DNA position 6616, G replaced by T.
Molecular consequence: splice donor variant.
Genome position (GRCh38, 1-based): chr15:48,434,593, C>A on the plus strand (G>T on the coding strand, the complement: FBN1 is on the minus strand). VCF-style: chr15-48434593-C-A. GRCh37 (hg19) VCF-style: chr15-48726790-C-A.
Other names: c.6616+1G>T (LRG_778t1, NM_001406716.1).
Identifiers: ClinVar variation 1325444 (VCV001325444.3), dbSNP rs1064793980, ClinGen allele CA392334564.